The following is an entry in ClinVar:

ClinVar aggregate classification (germline): Likely pathogenic. Review status: criteria provided, multiple submitters, no conflicts (2 of 4 stars). 2 submissions from 2 submitters: Likely pathogenic (2). Last evaluated 2019-12-21.

Conditions:
Usher syndrome type 1 (USH1). Also called: RETINITIS PIGMENTOSA AND CONGENITAL DEAFNESS. Identifiers: Orphanet 231169, Orphanet 886, MedGen C1568247, MONDO:0010168, OMIM 276900.

Submissions (2):

Myriad Genetics, Inc.
Classification: Likely pathogenic for Usher syndrome type 1. Last evaluated: 2019-12-21. Review status: criteria provided, single submitter. Criteria: Myriad Women's Health Autosomal Recessive and X-Linked Classification Criteria (2019). Collection method: clinical testing. Allele origin: unknown.
Comment: NM_000260.3(MYO7A):c.6252C>A(Y2084*) is expected to be pathogenic in the context of MYO7A-related disorders. This variant is predicted to lead to an abnormal or absent protein product due to the creation of a premature termination codon in MYO7A, a gene where loss-of-function variants are known to be pathogenic. Please note: this variant was assessed in the context of healthy population screening.

GeneID Lab - Advanced Molecular Diagnostics
Classification: Likely pathogenic for Usher syndrome type 1. Last evaluated: 2019-02-07. Review status: criteria provided, single submitter. Criteria: ACMG Guidelines, 2015. Collection method: clinical testing. Allele origin: germline. Affected: no. Observed: 1 variant allele.
Comment: This variant creates a premature translational stop signal referred to as p.Tyr2084Ter or p.Y2084* in the MYO7A gene. It is expected to result in an absent or disrupted protein product. This mutation is considered a non-tolerated amino acid change based on “in silico” prediction algorithms (disease causing). This variant is not present in the gnomAD exomes database. Loss-of-function variants in MYO7A are known to be pathogenic (PMID: 16786533, 22593002). For these reasons, we consider this finding as a "likely pathogenic variant" related to Usher Syndrome.

Literature cited by the submitters: PubMed 16786533 (cited by GeneID Lab - Advanced Molecular Diagnostics); PubMed 22593002 (cited by GeneID Lab - Advanced Molecular Diagnostics).

NM_000260.4(MYO7A):c.6252C>A (p.Tyr2084Ter)

Gene: MYO7A (myosin VIIA; plus strand). Cytogenetic location: 11q13.5.
Variant type: single nucleotide variant.
Coding change: c.6252C>A on transcript NM_000260.4 (MANE Select); coding-DNA position 6252, C replaced by A.
Protein change: p.Tyr2084Ter; replaces tyrosine 2084 with a stop codon.
Molecular consequence: nonsense.
Genome position (GRCh38, 1-based): chr11:77,211,835, C>A. VCF-style: chr11-77211835-C-A. GRCh37 (hg19) VCF-style: chr11-76922880-C-A.
Other names: c.6138C>A, p.Tyr2046Ter (NM_001127180.2); c.6105C>A, p.Tyr2035Ter (NM_001369365.1); short protein forms Y2035*, Y2046*, Y2084*.
Identifiers: ClinVar variation 983993 (VCV000983993.5), dbSNP rs1957904821, ClinGen allele CA381936457.